The following is an entry in ClinVar:

ClinVar aggregate classification (germline): Uncertain significance (1 of 4 stars; one submission).

Conditions:
Pyruvate carboxylase deficiency. Also called: Pyruvate Carboxylase Deficiency Disease; LEIGH NECROTIZING ENCEPHALOPATHY DUE TO PYRUVATE CARBOXYLASE DEFICIENCY; LEIGH SYNDROME DUE TO PYRUVATE CARBOXYLASE DEFICIENCY; ATAXIA WITH LACTIC ACIDOSIS II; PC DEFICIENCY. Identifiers: Orphanet 3008, MedGen C0034341, MONDO:0009949, OMIM 266150.

Allele frequency attached by ClinVar (database versions not stated): gnomAD 0.00001.
gnomAD v4.1: 1 of 1,611,498 alleles (0.000062%); no homozygotes.

Submission:

Labcorp Genetics (formerly Invitae), Labcorp
Classification: Uncertain significance for Pyruvate carboxylase deficiency. Last evaluated: 2021-12-02. Review status: criteria provided, single submitter. Criteria: Invitae Variant Classification Sherloc (09022015). Collection method: clinical testing. Allele origin: germline.
Comment: This sequence change replaces alanine, which is neutral and non-polar, with proline, which is neutral and non-polar, at codon 789 of the PC protein (p.Ala789Pro). This variant is not present in population databases (gnomAD no frequency). This variant has not been reported in the literature in individuals affected with PC-related conditions. Algorithms developed to predict the effect of missense changes on protein structure and function are either unavailable or do not agree on the potential impact of this missense change (SIFT: "Deleterious"; PolyPhen-2: "Probably Damaging"; Align-GVGD: "Class C0"). In summary, the available evidence is currently insufficient to determine the role of this variant in disease. Therefore, it has been classified as a Variant of Uncertain Significance.

NM_001040716.2(PC):c.2365G>C (p.Ala789Pro)

Gene: PC (pyruvate carboxylase; minus strand). Cytogenetic location: 11q13.2.
Variant type: single nucleotide variant.
Coding change: c.2365G>C on transcript NM_001040716.2 (MANE Select); coding-DNA position 2365, G replaced by C.
Protein change: p.Ala789Pro; replaces alanine 789 with proline.
Molecular consequence: missense variant.
Genome position (GRCh38, 1-based): chr11:66,850,782, C>G on the plus strand (G>C on the coding strand, the complement: PC is on the minus strand). VCF-style: chr11-66850782-C-G. GRCh37 (hg19) VCF-style: chr11-66618253-C-G.
Other names: c.2365G>C, p.Ala789Pro (NM_000920.4, NM_022172.3); short protein forms A789P.
Identifiers: ClinVar variation 1423244 (VCV001423244.6), dbSNP rs1945435067, ClinGen allele CA381493135.